The following is an entry in ClinVar:

NM_001083962.2(TCF4):c.1017C>G (p.Asn339Lys)

Gene: TCF4 (transcription factor 4; minus strand). Cytogenetic location: 18q21.2.
Variant type: single nucleotide variant.
Coding change: c.1017C>G on transcript NM_001083962.2 (MANE Select); coding-DNA position 1017, C replaced by G.
Protein change: p.Asn339Lys; replaces asparagine 339 with lysine.
Molecular consequence: missense variant.
Genome position (GRCh38, 1-based): chr18:55,260,001, G>C on the plus strand (C>G on the coding strand, the complement: TCF4 is on the minus strand). VCF-style: chr18-55260001-G-C. GRCh37 (hg19) VCF-style: chr18-52927232-G-C.
Other names: c.1323C>G, p.Asn441Lys (NM_001243226.3); c.945C>G, p.Asn315Lys (NM_001243227.2, NM_001306207.1, NM_001348217.1 and 9 more transcripts); c.1035C>G, p.Asn345Lys (NM_001243228.2); c.1011C>G, p.Asn337Lys (NM_001243230.2); c.891C>G, p.Asn297Lys (NM_001243231.2, NM_001348211.2); c.804C>G, p.Asn268Lys (NM_001243232.1, NM_001306208.1); c.627C>G, p.Asn209Lys (NM_001243233.2, NM_001330605.3, NM_001348212.2 and 1 more transcripts); c.537C>G, p.Asn179Lys (NM_001243234.2, NM_001243235.2, NM_001243236.2 and 2 more transcripts); and 4 more; short protein forms N209K, N268K, N297K, N338K, N441K, N314K, N315K, N337K.
Identifiers: ClinVar variation 3781041 (VCV003781041.1).

ClinVar aggregate classification (germline): Uncertain significance (1 of 4 stars; one submission).

Submission:

GeneDx
Classification: Uncertain significance. Last evaluated: 2024-10-21. Review status: criteria provided, single submitter. Criteria: GeneDx Variant Classification Process June 2021. Collection method: clinical testing. Allele origin: germline. Affected: yes.
Comment: Not observed at significant frequency in large population cohorts (gnomAD); In silico analysis supports that this missense variant has a deleterious effect on protein structure/function; Has not been previously published as pathogenic or benign to our knowledge